The following is an entry in ClinVar:

ClinVar aggregate classification (germline): Uncertain significance (1 of 4 stars; one submission).

gnomAD v4.1: 4 of 1,613,880 alleles (0.00025%); highest among the groups gnomAD compares: Middle Eastern, 0.033%; no homozygotes.

Submission:

Labcorp Genetics (formerly Invitae), Labcorp
Classification: Uncertain significance. Last evaluated: 2025-03-05. Review status: criteria provided, single submitter. Criteria: Invitae Variant Classification Sherloc (09022015). Collection method: clinical testing. Allele origin: germline.
Comment: This sequence change replaces arginine, which is basic and polar, with proline, which is neutral and non-polar, at codon 59 of the NR3C1 protein (p.Arg59Pro). This variant is present in population databases (no rsID available, gnomAD 0.01%). This variant has not been reported in the literature in individuals affected with NR3C1-related conditions. An algorithm developed to predict the effect of missense changes on protein structure and function outputs the following: PolyPhen-2: "Benign". The proline amino acid residue is found in multiple mammalian species, which suggests that this missense change does not adversely affect protein function. In summary, the available evidence is currently insufficient to determine the role of this variant in disease. Therefore, it has been classified as a Variant of Uncertain Significance.

NM_000176.3(NR3C1):c.176G>C (p.Arg59Pro)

Gene: NR3C1 (nuclear receptor subfamily 3 group C member 1; minus strand). Cytogenetic location: 5q31.3.
Variant type: single nucleotide variant.
Coding change: c.176G>C on transcript NM_000176.3 (MANE Select); coding-DNA position 176, G replaced by C.
Protein change: p.Arg59Pro; replaces arginine 59 with proline.
Molecular consequence: missense variant. On other transcripts: 5 prime UTR variant (6).
Genome position (GRCh38, 1-based): chr5:143,400,664, C>G on the plus strand (G>C on the coding strand, the complement: NR3C1 is on the minus strand). VCF-style: chr5-143400664-C-G. GRCh37 (hg19) VCF-style: chr5-142780229-C-G.
Other names: c.176G>C, p.Arg59Pro (NM_001018074.1, NM_001018075.1, NM_001018076.2 and 10 more transcripts); c.98G>C, p.Arg33Pro (NM_001204258.2); c.-80G>C (NM_001204259.2); c.-92G>C (NM_001204260.2); c.-116G>C (NM_001204261.2); c.-770G>C (NM_001204262.2); c.-815G>C (NM_001204263.2); c.-830G>C (NM_001204264.2); short protein forms R33P, R59P.
Identifiers: ClinVar variation 4767276 (VCV004767276.1).
Genomic context (GRCh38, chr5:143,400,664, plus strand): 5'-GACAGATCTGGCTGCTGCGCATTGCTTACTGAGCCTTTTGGAAAATCAACCAAAAGTCTT[C>G]GCTGCTTGGAGTCTGATTGAGAAGCGACAGCCAGTGAGGGTGAAGACGCAGAAACCTTCA-3'
Protein context (NP_000167.1, residues 49-69): AVASQSDSKQ[Arg59Pro]RLLVDFPKGS